The following is an entry in ClinVar:

NM_001005242.3(PKP2):c.1319C>T (p.Pro440Leu)

Gene: PKP2 (plakophilin 2; minus strand). Cytogenetic location: 12p11.21.
Variant type: single nucleotide variant.
Coding change: c.1319C>T on transcript NM_001005242.3 (MANE Select); coding-DNA position 1319, C replaced by T.
Protein change: p.Pro440Leu; replaces proline 440 with leucine.
Molecular consequence: missense variant.
Genome position (GRCh38, 1-based): chr12:32,850,825, G>A on the plus strand (C>T on the coding strand, the complement: PKP2 is on the minus strand). VCF-style: chr12-32850825-G-A. GRCh37 (hg19) VCF-style: chr12-33003759-G-A.
Other names: c.1319C>T, p.Pro440Leu (NM_004572.4); short protein forms P440L.
Identifiers: ClinVar variation 928378 (VCV000928378.5), dbSNP rs1956689076, ClinGen allele CA384369901.
Genomic context (GRCh38, chr12:32,850,825, plus strand): 5'-CCTGTTATTTGTTTTTTAGTCTCCAAGTCTCTGGTTTGCTTCAGCACCTGGAGCAGCCGA[G>A]GTACCCCATTTAGTTCAGCCACCTCCAATTTGTTGTCATTGTCTTCAAATACTAAGTTTC-3'
Protein context (NP_001005242.2, residues 430-450): KLEVAELNGV[Pro440Leu]RLLQVLKQTR

ClinVar aggregate classification (germline): Uncertain significance (1 of 4 stars; one submission).

Conditions:
Cardiomyopathy (CMYO). Also called: Cardiomyopathies. Identifiers: Orphanet 167848, MedGen C0878544, MONDO:0004994, HP:0001638. Inheritance: Various modes of inheritance.

Submission:

Color Diagnostics, LLC DBA Color Health
Classification: Uncertain significance for Cardiomyopathy. Last evaluated: 2023-12-05. Review status: criteria provided, single submitter. Criteria: ACMG Guidelines, 2015. Collection method: clinical testing. Allele origin: germline.
Comment: Variant of Uncertain Significance due to insufficient evidence: This missense variant replaces proline with leucine at codon 440 of the PKP2 protein. Computational prediction tools and conservation analyses suggest that this variant may have deleterious impact on the protein function. Computational splicing tools suggest that this variant may not impact RNA splicing. To our knowledge, functional assays have not been performed for this variant nor has this variant been reported in individuals affected with cardiovascular disorders in the literature. This variant has not been identified in the general population by the Genome Aggregation Database (gnomAD). Available evidence is insufficient to determine the role of this variant in disease conclusively.